The following is an entry in ClinVar:

NM_001273.5(CHD4):c.3844G>T (p.Val1282Leu)

Gene: CHD4 (chromodomain helicase DNA binding protein 4; minus strand). Cytogenetic location: 12p13.31.
Variant type: single nucleotide variant.
Coding change: c.3844G>T on transcript NM_001273.5 (MANE Select); coding-DNA position 3844, G replaced by T.
Protein change: p.Val1282Leu; replaces valine 1282 with leucine.
Molecular consequence: missense variant.
Genome position (GRCh38, 1-based): chr12:6,587,419, C>A on the plus strand (G>T on the coding strand, the complement: CHD4 is on the minus strand). VCF-style: chr12-6587419-C-A. GRCh37 (hg19) VCF-style: chr12-6696585-C-A.
Other names: c.3823G>T, p.Val1275Leu (NM_001297553.2); c.3805G>T, p.Val1269Leu (NM_001363606.2); short protein forms V1269L, V1275L, V1282L.
Identifiers: ClinVar variation 2089632 (VCV002089632.4), dbSNP rs2540389677, ClinGen allele CA383580573.
Genomic context (GRCh38, chr12:6,587,419, plus strand): 5'-AGGATTGCCTTGGATTCATACTCACCCCCATTTCTTCTTCCCGTACCACATACTGGGCCA[C>A]TTTGAATGAGCTCAAATATTCATTCATGCCCTGCAATTCTGTGTCTTCAGTCTCATCCTG-3'
Protein context (NP_001264.2, residues 1272-1292): GMNEYLSSFK[Val1282Leu]AQYVVREEEM

ClinVar aggregate classification (germline): Uncertain significance (1 of 4 stars; one submission).

Submission:

Labcorp Genetics (formerly Invitae), Labcorp
Classification: Uncertain significance. Last evaluated: 2024-08-12. Review status: criteria provided, single submitter. Criteria: Invitae Variant Classification Sherloc (09022015). Collection method: clinical testing. Allele origin: germline.
Comment: This sequence change replaces valine, which is neutral and non-polar, with leucine, which is neutral and non-polar, at codon 1282 of the CHD4 protein (p.Val1282Leu). This variant is not present in population databases (gnomAD no frequency). This variant has not been reported in the literature in individuals affected with CHD4-related conditions. ClinVar contains an entry for this variant (Variation ID: 2089632). Advanced modeling of protein sequence and biophysical properties (such as structural, functional, and spatial information, amino acid conservation, physicochemical variation, residue mobility, and thermodynamic stability) performed at Invitae indicates that this missense variant is expected to disrupt CHD4 protein function with a positive predictive value of 80%. In summary, the available evidence is currently insufficient to determine the role of this variant in disease. Therefore, it has been classified as a Variant of Uncertain Significance.